The following is an entry in ClinVar:

ClinVar aggregate classification (germline): Uncertain significance (1 of 4 stars; one submission).

Conditions:
Carnitine acylcarnitine translocase deficiency (CACTD). Identifiers: Orphanet 159, MedGen C0342791, MONDO:0008918, OMIM 212138.

Allele frequency attached by ClinVar (database versions not stated): ExAC 0.00001; gnomAD 0.00001; gnomAD exomes 0.00001.
gnomAD v4.1: 5 of 1,614,172 alleles (0.00031%); highest among the groups gnomAD compares: Middle Eastern, 0.017%; no homozygotes.

Submission:

Labcorp Genetics (formerly Invitae), Labcorp
Classification: Uncertain significance for Carnitine acylcarnitine translocase deficiency. Last evaluated: 2023-07-07. Review status: criteria provided, single submitter. Criteria: Invitae Variant Classification Sherloc (09022015). Collection method: clinical testing. Allele origin: germline.
Comment: In summary, the available evidence is currently insufficient to determine the role of this variant in disease. Therefore, it has been classified as a Variant of Uncertain Significance. Advanced modeling of protein sequence and biophysical properties (such as structural, functional, and spatial information, amino acid conservation, physicochemical variation, residue mobility, and thermodynamic stability) performed at Invitae indicates that this missense variant is expected to disrupt SLC25A20 protein function. ClinVar contains an entry for this variant (Variation ID: 2048133). This variant has not been reported in the literature in individuals affected with SLC25A20-related conditions. This variant is present in population databases (rs769447247, gnomAD 0.004%). This sequence change replaces proline, which is neutral and non-polar, with serine, which is neutral and polar, at codon 278 of the SLC25A20 protein (p.Pro278Ser).

NM_000387.6(SLC25A20):c.832C>T (p.Pro278Ser)

Gene: SLC25A20 (solute carrier family 25 member 20; minus strand). Cytogenetic location: 3p21.31.
Variant type: single nucleotide variant.
Coding change: c.832C>T on transcript NM_000387.6 (MANE Select); coding-DNA position 832, C replaced by T.
Protein change: p.Pro278Ser; replaces proline 278 with serine.
Molecular consequence: missense variant.
Genome position (GRCh38, 1-based): chr3:48,858,518, G>A on the plus strand (C>T on the coding strand, the complement: SLC25A20 is on the minus strand). VCF-style: chr3-48858518-G-A. GRCh37 (hg19) VCF-style: chr3-48895951-G-A.
Other names: short protein forms P278S.
Identifiers: ClinVar variation 2048133 (VCV002048133.2), dbSNP rs769447247, ClinGen allele CA2387280.